The following is an entry in ClinVar:

ClinVar aggregate classification (germline): Pathogenic. Review status: criteria provided, single submitter (1 of 4 stars). 2 submissions from 2 submitters: Pathogenic (1). 1 of the submissions does not count toward it. Last evaluated 2018-03-20.

Conditions:
LEPR-related disorder. Also called: LEPR-related condition; LEPR-related disorders.

Submissions (2):

Eurofins Ntd Llc (ga)
Classification: Pathogenic. Last evaluated: 2018-03-20. Review status: criteria provided, single submitter. Criteria: EGL ClinVar v180209 classification definitions. Collection method: clinical testing. Allele origin: germline.

PreventionGenetics, part of Exact Sciences
Classification: Pathogenic for LEPR-related condition. Last evaluated: 2024-02-24. Review status: no assertion criteria provided. Collection method: clinical testing. Allele origin: germline. Not counted in ClinVar's aggregate classification.
Comment: The LEPR c.479delA variant is predicted to result in a frameshift and premature protein termination (p.His160Leufs*10). This variant has been reported in at least one family, where it segregated with severe obesity (Gill et al. 2014. PubMed ID: 23616257). Premature termination of the LEPR gene is an established mechanism of disease, with pathogenic variants documented both upstream and downstream of the c.479delA variant (Dehghani et al. 2018. PubMed ID: 29545012; Gill et al. 2014. PubMed ID: 23616257). This variant has not been reported in a large population database, indicating this variant is rare. This variant is interpreted as pathogenic.

Literature cited by the submitters: PubMed 23616257 (cited by Eurofins Ntd Llc (ga)).

NM_002303.6(LEPR):c.479del (p.His160fs)

Gene: LEPR (leptin receptor; plus strand). Cytogenetic location: 1p31.3.
Variant type: Deletion.
Coding change: c.479del on transcript NM_002303.6 (MANE Select); coding-DNA position 479, one base deleted (A; older notation c.479delA).
Protein change: p.His160fs; shifts the reading frame from histidine 160.
Molecular consequence: frameshift variant.
Genome position (GRCh38, 1-based): chr1:65,572,434, A deleted. VCF-style (leftmost placement, unchanged base first): chr1-65572433-CA-C. GRCh37 (hg19) VCF-style: chr1-66038116-CA-C.
Other names: c.479del, p.His160fs (NM_001003679.3, NM_001003680.3, NM_001198687.2 and 2 more transcripts); c.479delA (NM_002303.5); short protein forms H160fs.
Identifiers: ClinVar variation 596629 (VCV000596629.6), dbSNP rs1557670990, ClinGen allele CA913189323.